The following is an entry in ClinVar:

ClinVar aggregate classification (germline): Likely benign (1 of 4 stars; one submission).

Submission:

GeneDx
Classification: Likely benign. Last evaluated: 2016-12-13. Review status: criteria provided, single submitter. Criteria: GeneDx Variant Classification (06012015). Collection method: clinical testing. Allele origin: germline. Affected: yes.
Comment: This variant is considered likely benign or benign based on one or more of the following criteria: it is a conservative change, it occurs at a poorly conserved position in the protein, it is predicted to be benign by multiple in silico algorithms, and/or has population frequency not consistent with disease.

NM_000090.4(COL3A1):c.2283+19G>A

Gene: COL3A1 (collagen type III alpha 1 chain; plus strand). Cytogenetic location: 2q32.2.
Variant type: single nucleotide variant.
Coding change: c.2283+19G>A on transcript NM_000090.4 (MANE Select); 19 bases into the intron after coding-DNA position 2283, G replaced by A.
Molecular consequence: intron variant.
Genome position (GRCh38, 1-based): chr2:188,999,914, G>A. VCF-style: chr2-188999914-G-A. GRCh37 (hg19) VCF-style: chr2-189864640-G-A.
Identifiers: ClinVar variation 391626 (VCV000391626.1), dbSNP rs1057524170, ClinGen allele CA16603972.